The following is an entry in ClinVar:

NM_005121.3(MED13):c.3359A>T (p.Tyr1120Phe)

Gene: MED13 (mediator complex subunit 13; minus strand). Cytogenetic location: 17q23.2.
Variant type: single nucleotide variant.
Coding change: c.3359A>T on transcript NM_005121.3 (MANE Select); coding-DNA position 3359, A replaced by T.
Protein change: p.Tyr1120Phe; replaces tyrosine 1120 with phenylalanine.
Molecular consequence: missense variant.
Genome position (GRCh38, 1-based): chr17:61,982,644, T>A on the plus strand (A>T on the coding strand, the complement: MED13 is on the minus strand). VCF-style: chr17-61982644-T-A. GRCh37 (hg19) VCF-style: chr17-60060005-T-A.
Other names: short protein forms Y1120F.
Identifiers: ClinVar variation 5002742 (VCV005002742.1).

ClinVar aggregate classification (germline): Uncertain significance (1 of 4 stars; one submission).

Conditions:
Intellectual developmental disorder 61. Also called: INTELLECTUAL DEVELOPMENTAL DISORDER, AUTOSOMAL DOMINANT 61; MENTAL RETARDATION, AUTOSOMAL DOMINANT 61. Identifiers: MedGen C5231400, MONDO:0032485, OMIM 618009.

Submission:

OLLIN Analises Genomicas, OLLIN
Classification: Uncertain significance for Intellectual developmental disorder 61. Last evaluated: 2026-08-06. Review status: criteria provided, single submitter. Criteria: ACMG Guidelines 2015 PMID 25741868. Collection method: clinical testing. Allele origin: germline. Inheritance: Autosomal dominant inheritance.
Comment: This missense variant, located in exon 16 (of 30), is absent from gnomAD and ClinVar and has not been identified in the literature. In silico analysis is inconclusive regarding the impact of this variant. According to the currently available evidence, this variant has been classified as uncertain significance (PM2_P).